The following is an entry in ClinVar:

NM_004698.4(PRPF3):c.1279C>T (p.Pro427Ser)

Gene: PRPF3 (pre-mRNA processing factor 3; plus strand). Cytogenetic location: 1q21.2.
Variant type: single nucleotide variant.
Coding change: c.1279C>T on transcript NM_004698.4 (MANE Select); coding-DNA position 1279, C replaced by T.
Protein change: p.Pro427Ser; replaces proline 427 with serine.
Molecular consequence: missense variant. On other transcripts: non-coding transcript variant (4).
Genome position (GRCh38, 1-based): chr1:150,340,474, C>T. VCF-style: chr1-150340474-C-T. GRCh37 (hg19) VCF-style: chr1-150312950-C-T.
Other names: c.874C>T, p.Pro292Ser (NM_001350529.1); short protein forms P292S, P427S.
Identifiers: ClinVar variation 1720656 (VCV001720656.5), dbSNP rs2525187242, ClinGen allele CA342278785.

ClinVar aggregate classification (germline): Uncertain significance (1 of 4 stars; one submission).

Submission:

Labcorp Genetics (formerly Invitae), Labcorp
Classification: Uncertain significance. Last evaluated: 2022-09-29. Review status: criteria provided, single submitter. Criteria: Invitae Variant Classification Sherloc (09022015). Collection method: clinical testing. Allele origin: germline.
Comment: This sequence change replaces proline, which is neutral and non-polar, with serine, which is neutral and polar, at codon 427 of the PRPF3 protein (p.Pro427Ser). In summary, the available evidence is currently insufficient to determine the role of this variant in disease. Therefore, it has been classified as a Variant of Uncertain Significance. Advanced modeling of protein sequence and biophysical properties (such as structural, functional, and spatial information, amino acid conservation, physicochemical variation, residue mobility, and thermodynamic stability) has been performed at Invitae for this missense variant, however the output from this modeling did not meet the statistical confidence thresholds required to predict the impact of this variant on PRPF3 protein function. This variant has not been reported in the literature in individuals affected with PRPF3-related conditions. This variant is not present in population databases (gnomAD no frequency).